The following is an entry in ClinVar:

NM_145690.3(YWHAZ):c.379C>T (p.Arg127Cys)

Gene: YWHAZ (tyrosine 3-monooxygenase/tryptophan 5-monooxygenase activation protein zeta; minus strand). Cytogenetic location: 8q22.3.
Variant type: single nucleotide variant.
Coding change: c.379C>T on transcript NM_145690.3 (MANE Select); coding-DNA position 379, C replaced by T.
Protein change: p.Arg127Cys; replaces arginine 127 with cysteine.
Molecular consequence: missense variant.
Genome position (GRCh38, 1-based): chr8:100,924,955, G>A on the plus strand (C>T on the coding strand, the complement: YWHAZ is on the minus strand). VCF-style: chr8-100924955-G-A. GRCh37 (hg19) VCF-style: chr8-101937183-G-A.
Other names: c.379C>T, p.Arg127Cys (NM_001135699.2, NM_001135700.2, NM_001135701.2 and 2 more transcripts); short protein forms R127C.
Identifiers: ClinVar variation 3342334 (VCV003342334.1).

ClinVar aggregate classification (germline): Pathogenic (1 of 4 stars; one submission).

Submission:

GeneDx
Classification: Pathogenic. Last evaluated: 2024-03-07. Review status: criteria provided, single submitter. Criteria: GeneDx Variant Classification Process June 2021. Collection method: clinical testing. Allele origin: germline. Affected: yes.
Comment: Not observed at significant frequency in large population cohorts (gnomAD); In silico analysis supports that this missense variant has a deleterious effect on protein structure/function; This variant is associated with the following publications: (PMID: 35982160, 35982159)